The following is an entry in ClinVar:

NM_002439.5(MSH3):c.3302G>A (p.Arg1101Lys)

Gene: MSH3 (mutS homolog 3; plus strand). Cytogenetic location: 5q14.1.
Variant type: single nucleotide variant.
Coding change: c.3302G>A on transcript NM_002439.5 (MANE Select); coding-DNA position 3302, G replaced by A.
Protein change: p.Arg1101Lys; replaces arginine 1101 with lysine.
Molecular consequence: missense variant.
Genome position (GRCh38, 1-based): chr5:80,873,287, G>A. VCF-style: chr5-80873287-G-A. GRCh37 (hg19) VCF-style: chr5-80169106-G-A.
Other names: short protein forms R1101K.
Identifiers: ClinVar variation 2565661 (VCV002565661.6), dbSNP rs2112128995, ClinGen allele CA360347216.
Genomic context (GRCh38, chr5:80,873,287, plus strand): 5'-AAATTTTGAAGAAAGCAGCTCACAAGTCAAAAGAGCTGGAAGGATTAATAAATACGAAAA[G>A]GTCAGAGTGATTATGCTGCATTTTTTCATTTGTAATGAAACCTTCTAAGTTGTCCAAGAA-3'
Protein context (NP_002430.3, residues 1091-1111): KELEGLINTK[Arg1101Lys]KRLKYFAKLW

ClinVar aggregate classification (germline): Uncertain significance. Review status: criteria provided, multiple submitters, no conflicts (2 of 4 stars). 2 submissions from 2 submitters: Uncertain significance (2). Last evaluated 2025-06-25.

Conditions:
Hereditary cancer-predisposing syndrome. Also called: Neoplastic Syndromes, Hereditary; Hereditary Cancer Syndrome; Hereditary neoplastic syndrome; Tumor predisposition. Identifiers: Orphanet 140162, MedGen C0027672, MeSH D009386, MONDO:0015356.

Submissions (2):

Ambry Genetics
Classification: Uncertain significance for Hereditary cancer-predisposing syndrome. Last evaluated: 2025-06-25. Review status: criteria provided, single submitter. Criteria: Ambry Variant Classification Scheme 2023. Collection method: clinical testing. Allele origin: germline.
Comment: The c.3302G>A variant (also known as p.R1101K), located in coding exon 23 of the MSH3 gene, results from a G to A substitution at nucleotide position 3302. The arginine at codon 1101 is replaced by lysine, an amino acid with highly similar properties. However, this change occurs in the last base pair of coding exon 23 and may have some effect on normal mRNA splicing. This nucleotide position is highly conserved in available vertebrate species. In silico splice site analysis predicts that this alteration will weaken the native splice donor site; however, direct evidence is insufficient at this time (Ambry internal data). This amino acid position is highly conserved in available vertebrate species. In addition, as a missense substitution this alteration is predicted to be inconclusive by in silico analysis. Since supporting evidence is limited at this time, the clinical significance of this alteration remains unclear.

Labcorp Genetics (formerly Invitae), Labcorp
Classification: Uncertain significance. Last evaluated: 2024-04-10. Review status: criteria provided, single submitter. Criteria: Invitae Variant Classification Sherloc (09022015). Collection method: clinical testing. Allele origin: germline.
Comment: This sequence change replaces arginine, which is basic and polar, with lysine, which is basic and polar, at codon 1101 of the MSH3 protein (p.Arg1101Lys). This variant also falls at the last nucleotide of exon 23, which is part of the consensus splice site for this exon. This variant is not present in population databases (gnomAD no frequency). This variant has not been reported in the literature in individuals affected with MSH3-related conditions. ClinVar contains an entry for this variant (Variation ID: 2565661). An algorithm developed to predict the effect of missense changes on protein structure and function (PolyPhen-2) suggests that this variant is likely to be disruptive. Variants that disrupt the consensus splice site are a relatively common cause of aberrant splicing (PMID: 17576681, 9536098). Algorithms developed to predict the effect of sequence changes on RNA splicing suggest that this variant may disrupt the consensus splice site. In summary, the available evidence is currently insufficient to determine the role of this variant in disease. Therefore, it has been classified as a Variant of Uncertain Significance.

Literature cited by the submitters: PubMed 17576681 (cited by Labcorp Genetics (formerly Invitae), Labcorp); PubMed 9536098 (cited by Labcorp Genetics (formerly Invitae), Labcorp).